The following is an entry in ClinVar:

ClinVar aggregate classification (germline): Likely benign (1 of 4 stars; one submission).

Conditions:
LEPR-related disorder. Also called: LEPR-related condition; LEPR-related disorders.

gnomAD v4.1: 1 of 1,612,348 alleles (0.000062%); highest among the groups gnomAD compares: Admixed American, 0.0017%; no homozygotes.

Submission:

PreventionGenetics, part of Exact Sciences
Classification: Likely benign for LEPR-related condition. Last evaluated: 2025-08-29. Review status: criteria provided, single submitter. Criteria: ACMG Guidelines, 2015. Collection method: clinical testing. Allele origin: germline.
Comment: This variant is classified as likely benign based on ACMG/AMP sequence variant interpretation guidelines (Richards et al. 2015 PMID: 25741868, with internal and published modifications).

NM_002303.6(LEPR):c.2433T>C (p.Leu811=)

Gene: LEPR (leptin receptor; plus strand). Cytogenetic location: 1p31.3.
Variant type: single nucleotide variant.
Coding change: c.2433T>C on transcript NM_002303.6 (MANE Select); coding-DNA position 2433, T replaced by C.
Protein change: p.Leu811=; no amino-acid change (leucine 811 retained).
Molecular consequence: synonymous variant.
Genome position (GRCh38, 1-based): chr1:65,619,965, T>C. VCF-style: chr1-65619965-T-C. GRCh37 (hg19) VCF-style: chr1-66085648-T-C.
Other names: c.2433T>C, p.Leu811= (NM_001003679.3, NM_001003680.3, NM_001198687.2 and 2 more transcripts).
Identifiers: ClinVar variation 4994461 (VCV004994461.1).